The following is an entry in ClinVar:

NM_002439.5(MSH3):c.2944A>T (p.Ser982Cys)

Gene: MSH3 (mutS homolog 3; plus strand). Cytogenetic location: 5q14.1.
Variant type: single nucleotide variant.
Coding change: c.2944A>T on transcript NM_002439.5 (MANE Select); coding-DNA position 2944, A replaced by T.
Protein change: p.Ser982Cys; replaces serine 982 with cysteine.
Molecular consequence: missense variant.
Genome position (GRCh38, 1-based): chr5:80,854,260, A>T. VCF-style: chr5-80854260-A-T. GRCh37 (hg19) VCF-style: chr5-80150079-A-T.
Other names: c.2944A>T (NM_002439.3); short protein forms S982C.
Identifiers: ClinVar variation 3628578 (VCV003628578.3).
Genomic context (GRCh38, chr5:80,854,260, plus strand): 5'-ATAATCAGAAAAGCAACATCACAGTCCTTGGTTATCTTGGATGAACTAGGAAGAGGGACG[A>T]GCACTCATGATGGAATTGCCATTGCCTATGCTACACTTGAGTATTTCATCAGAGATGTAA-3'
Protein context (NP_002430.3, residues 972-992): VILDELGRGT[Ser982Cys]THDGIAIAYA

ClinVar aggregate classification (germline): Uncertain significance. Review status: criteria provided, multiple submitters, no conflicts (2 of 4 stars). 2 submissions from 2 submitters: Uncertain significance (2). Last evaluated 2025-02-16.

Conditions:
Hereditary cancer-predisposing syndrome. Also called: Tumor predisposition; Hereditary neoplastic syndrome; Neoplastic Syndromes, Hereditary; Hereditary Cancer Syndrome. Identifiers: Orphanet 140162, MedGen C0027672, MeSH D009386, MONDO:0015356.

Submissions (2):

Ambry Genetics
Classification: Uncertain significance for Hereditary cancer-predisposing syndrome. Last evaluated: 2025-02-16. Review status: criteria provided, single submitter. Criteria: Ambry Variant Classification Scheme 2023. Collection method: clinical testing. Allele origin: germline.
Comment: The p.S982C variant (also known as c.2944A>T), located in coding exon 21 of the MSH3 gene, results from an A to T substitution at nucleotide position 2944. The serine at codon 982 is replaced by cysteine, an amino acid with dissimilar properties. This amino acid position is conserved. In addition, this alteration is predicted to be deleterious by in silico analysis. Based on the available evidence, the clinical significance of this variant remains unclear.

Labcorp Genetics (formerly Invitae), Labcorp
Classification: Uncertain significance. Last evaluated: 2024-05-11. Review status: criteria provided, single submitter. Criteria: Invitae Variant Classification Sherloc (09022015). Collection method: clinical testing. Allele origin: germline.
Comment: This sequence change replaces serine, which is neutral and polar, with cysteine, which is neutral and slightly polar, at codon 982 of the MSH3 protein (p.Ser982Cys). This variant is not present in population databases (gnomAD no frequency). This variant has not been reported in the literature in individuals affected with MSH3-related conditions. An algorithm developed to predict the effect of missense changes on protein structure and function (PolyPhen-2) suggests that this variant is likely to be disruptive. In summary, the available evidence is currently insufficient to determine the role of this variant in disease. Therefore, it has been classified as a Variant of Uncertain Significance.